The following is an entry in ClinVar:

NM_000210.4(ITGA6):c.2851A>T (p.Ile951Phe)

Genes: ITGA6 (integrin subunit alpha 6; plus strand), PDK1-AS1 (PDK1 and ITGA6 antisense RNA 1; minus strand). Cytogenetic location: 2q31.1.
Variant type: single nucleotide variant.
Coding change: c.2851A>T on transcript NM_000210.4 (MANE Select); coding-DNA position 2851, A replaced by T.
Protein change: p.Ile951Phe; replaces isoleucine 951 with phenylalanine.
Molecular consequence: missense variant.
Genome position (GRCh38, 1-based): chr2:172,491,293, A>T. VCF-style: chr2-172491293-A-T. GRCh37 (hg19) VCF-style: chr2-173356021-A-T.
Other names: c.2851A>T (NM_000210.2); c.2851A>T, p.Ile951Phe (NM_001079818.3); c.2494A>T, p.Ile832Phe (NM_001316306.2); c.2806A>T, p.Ile936Phe (NM_001365529.2, NM_001365530.2); c.2968A>T, p.Ile990Phe (NM_001394928.1); short protein forms I832F, I936F, I951F, I990F.
Identifiers: ClinVar variation 2369311 (VCV002369311.10), dbSNP rs757562675, ClinGen allele CA1968514.

ClinVar aggregate classification (germline): Uncertain significance. Review status: criteria provided, multiple submitters, no conflicts (2 of 4 stars). 3 submissions from 3 submitters: Uncertain significance (3). Last evaluated 2025-08-02.

Conditions:
Inborn genetic diseases. Identifiers: MedGen C0950123, MeSH D030342.
Epidermolysis bullosa, junctional 6, with pyloric atresia. Also called: ITGA6-Related Epidermolysis Bullosa with Pyloric Atresia. Identifiers: MedGen C5676957, MONDO:0859233, OMIM 619817.

Allele frequency attached by ClinVar (database versions not stated): gnomAD exomes 0.00005; ExAC 0.00002; TOPMed 0.00004; gnomAD 0.00003.
gnomAD v4.1: 75 of 1,612,768 alleles (0.0047%); highest among the groups gnomAD compares: Non-Finnish European, 0.0059%; no homozygotes.

Submissions (3):

Ambry Genetics
Classification: Uncertain significance for Inborn genetic diseases. Last evaluated: 2025-08-02. Review status: criteria provided, single submitter. Criteria: Ambry Variant Classification Scheme 2023. Collection method: clinical testing. Allele origin: germline.

Fulgent Genetics
Classification: Uncertain significance for Epidermolysis bullosa, junctional 6, with pyloric atresia. Last evaluated: 2024-02-29. Review status: criteria provided, single submitter. Criteria: ACMG Guidelines, 2015. Collection method: clinical testing. Allele origin: germline.

Labcorp Genetics (formerly Invitae), Labcorp
Classification: Uncertain significance. Last evaluated: 2023-11-28. Review status: criteria provided, single submitter. Criteria: Invitae Variant Classification Sherloc (09022015). Collection method: clinical testing. Allele origin: germline.
Comment: This sequence change replaces isoleucine, which is neutral and non-polar, with phenylalanine, which is neutral and non-polar, at codon 951 of the ITGA6 protein (p.Ile951Phe). This variant is present in population databases (rs757562675, gnomAD 0.004%). This variant has not been reported in the literature in individuals affected with ITGA6-related conditions. ClinVar contains an entry for this variant (Variation ID: 2369311). Advanced modeling of protein sequence and biophysical properties (such as structural, functional, and spatial information, amino acid conservation, physicochemical variation, residue mobility, and thermodynamic stability) performed at Invitae indicates that this missense variant is not expected to disrupt ITGA6 protein function with a negative predictive value of 80%. In summary, the available evidence is currently insufficient to determine the role of this variant in disease. Therefore, it has been classified as a Variant of Uncertain Significance.